The following is an entry in ClinVar:

ClinVar aggregate classification (germline): Uncertain significance. Review status: criteria provided, multiple submitters, no conflicts (2 of 4 stars). 8 submissions from 8 submitters: Uncertain significance (6). 2 of the submissions do not count toward it. Last evaluated 2026-07-17.

Conditions:
ATM-related disorder. Also called: ATM-related disorders; ATM-related condition.
Hereditary cancer-predisposing syndrome. Also called: Tumor predisposition; Neoplastic Syndromes, Hereditary; Hereditary neoplastic syndrome; Hereditary Cancer Syndrome. Identifiers: Orphanet 140162, MedGen C0027672, MeSH D009386, MONDO:0015356.
Ataxia-telangiectasia syndrome (AT). Also called: Ataxia-telangiectasia, complementation group D; AT, COMPLEMENTATION GROUP C; Cerebello-oculocutaneous telangiectasia; Immunodeficiency with ataxia telangiectasia; ATAXIA-TELANGIECTASIA, COMPLEMENTATION GROUP A; ATAXIA-TELANGIECTASIA, FRESNO VARIANT. Identifiers: Orphanet 100, MedGen C0004135, MONDO:0008840, OMIM 208900.
Familial cancer of breast. Also called: BREAST CANCER, FAMILIAL; Hereditary breast cancer; hereditary breast carcinoma. Identifiers: Orphanet 227535, MedGen C0346153, MONDO:0016419, OMIM 114480. Disease mechanism: loss of function.

Submissions (8):

PreventionGenetics, part of Exact Sciences
Classification: Uncertain significance for ATM-related condition. Last evaluated: 2026-07-17. Review status: criteria provided, single submitter. Criteria: ACMG Guidelines, 2015. Collection method: clinical testing. Allele origin: germline.
Comment: The ATM c.936A>C variant is predicted to result in the amino acid substitution p.Leu312Phe. To our knowledge, this variant has not been reported in the literature in individuals affected with ATM-related conditions. This variant is reported in 0.0018% of alleles in individuals of European (Non-Finnish) descent in gnomAD and is classified as uncertain in ClinVar (Variation ID: 142130). At this time, the clinical significance of this variant is uncertain due to the absence of conclusive functional and genetic evidence.

Labcorp Genetics (formerly Invitae), Labcorp
Classification: Uncertain significance for Ataxia-telangiectasia syndrome. Last evaluated: 2026-02-03. Review status: criteria provided, single submitter. Criteria: Invitae Variant Classification Sherloc (09022015). Collection method: clinical testing. Allele origin: germline.
Comment: This sequence change replaces leucine, which is neutral and non-polar, with phenylalanine, which is neutral and non-polar, at codon 312 of the ATM protein (p.Leu312Phe). This variant is present in population databases (rs587782257, gnomAD 0.002%). This variant has not been reported in the literature in individuals affected with ATM-related conditions. ClinVar contains an entry for this variant (Variation ID: 142130). Invitae Evidence Modeling of protein sequence and biophysical properties (such as structural, functional, and spatial information, amino acid conservation, physicochemical variation, residue mobility, and thermodynamic stability) indicates that this missense variant is not expected to disrupt ATM protein function with a negative predictive value of 95%. In summary, the available evidence is currently insufficient to determine the role of this variant in disease. Therefore, it has been classified as a Variant of Uncertain Significance.

Ambry Genetics
Classification: Uncertain significance for Hereditary cancer-predisposing syndrome. Last evaluated: 2024-10-01. Review status: criteria provided, single submitter. Criteria: Ambry Variant Classification Scheme 2023. Collection method: clinical testing. Allele origin: germline.
Comment: The p.L312F variant (also known as c.936A>C), located in coding exon 7 of the ATM gene, results from an A to C substitution at nucleotide position 936. The leucine at codon 312 is replaced by phenylalanine, an amino acid with highly similar properties. This alteration was reported in a study of 1297 cases of early-onset breast cancer and 1121 controls (Young EL et al. J. Med. Genet., 2016 06;53:366-76). This amino acid position is highly conserved in available vertebrate species. In addition, this alteration is predicted to be deleterious by in silico analysis. Based on the available evidence, the clinical significance of this variant remains unclear.

Color Diagnostics, LLC DBA Color Health
Classification: Uncertain significance for Hereditary cancer-predisposing syndrome. Last evaluated: 2024-08-09. Review status: criteria provided, single submitter. Criteria: ACMG Guidelines, 2015. Collection method: clinical testing. Allele origin: germline.
Comment: This missense variant replaces leucine with phenylalanine at codon 312 of the ATM protein. Computational prediction suggests that this variant may not impact protein structure and function. To our knowledge, functional studies have not been reported for this variant. This variant has not been reported in individuals affected with ATM-related disorders in the literature. This variant has been identified in 2/250930 chromosomes in the general population by the Genome Aggregation Database (gnomAD). The available evidence is insufficient to determine the role of this variant in disease conclusively. Therefore, this variant is classified as a Variant of Uncertain Significance.

Baylor Genetics
Classification: Uncertain significance for Familial cancer of breast. Last evaluated: 2024-02-06. Review status: criteria provided, single submitter. Criteria: ACMG Guidelines, 2015. Collection method: clinical testing. Allele origin: unknown.

GeneDx
Classification: Uncertain significance. Last evaluated: 2023-07-14. Review status: criteria provided, single submitter. Criteria: GeneDx Variant Classification Process June 2021. Collection method: clinical testing. Allele origin: germline. Affected: yes.
Comment: Not observed at significant frequency in large population cohorts (gnomAD); In silico analysis supports that this missense variant has a deleterious effect on protein structure/function; A large meta-analysis found this variant to be absent in breast cancer patients (0/4,112) but present in one control subject (1/2,399) (Tavtigian et al., 2009); This variant is associated with the following publications: (PMID: 25801821, 26787654, 19781682)

Natera, Inc.
Classification: Uncertain significance for Ataxia-telangiectasia. Last evaluated: 2020-09-16. Review status: no assertion criteria provided. Collection method: clinical testing. Allele origin: germline. Not counted in ClinVar's aggregate classification.

Counsyl
Classification: Uncertain significance for Ataxia-telangiectasia syndrome. Last evaluated: 2017-10-27. Review status: no assertion criteria provided. Collection method: clinical testing. Allele origin: unknown. Not counted in ClinVar's aggregate classification.

Literature cited by the submitters: PubMed 19781682 (cited by Ambry Genetics); PubMed 26787654 (cited by Ambry Genetics).

NM_000051.4(ATM):c.936A>C (p.Leu312Phe)

Gene: ATM (ATM serine/threonine kinase; plus strand). Cytogenetic location: 11q22.3.
Variant type: single nucleotide variant.
Coding change: c.936A>C on transcript NM_000051.4 (MANE Select); coding-DNA position 936, A replaced by C.
Protein change: p.Leu312Phe; replaces leucine 312 with phenylalanine.
Molecular consequence: missense variant.
Genome position (GRCh38, 1-based): chr11:108,246,998, A>C. VCF-style: chr11-108246998-A-C. GRCh37 (hg19) VCF-style: chr11-108117725-A-C.
Other names: c.936A>C, p.Leu312Phe (NM_001351834.2); short protein forms L312F.
Identifiers: ClinVar variation 142130 (VCV000142130.27), dbSNP rs587782257, ClinGen allele CA167475.